The following is an entry in ClinVar:

NM_002103.5(GYS1):c.1390G>A (p.Gly464Ser)

Gene: GYS1 (glycogen synthase 1; minus strand). Cytogenetic location: 19q13.33.
Variant type: single nucleotide variant.
Coding change: c.1390G>A on transcript NM_002103.5 (MANE Select); coding-DNA position 1390, G replaced by A.
Protein change: p.Gly464Ser; replaces glycine 464 with serine.
Molecular consequence: missense variant. On other transcripts: non-coding transcript variant (1).
Genome position (GRCh38, 1-based): chr19:48,974,652, C>T on the plus strand (G>A on the coding strand, the complement: GYS1 is on the minus strand). VCF-style: chr19-48974652-C-T. GRCh37 (hg19) VCF-style: chr19-49477909-C-T.
Other names: c.1198G>A, p.Gly400Ser (NM_001161587.2); short protein forms G464S, G400S.
Identifiers: ClinVar variation 1482998 (VCV001482998.6), dbSNP rs200862074, ClinGen allele CA9562965.

ClinVar aggregate classification (germline): Uncertain significance (1 of 4 stars; one submission).

Conditions:
Glycogen storage disease due to muscle and heart glycogen synthase deficiency. Also called: GSD 0b; MUSCLE GLYCOGEN SYNTHASE DEFICIENCY. Identifiers: Orphanet 137625, MedGen C1969054, MONDO:0012693, OMIM 611556.

Allele frequency attached by ClinVar (database versions not stated): TOPMed below 0.00001; gnomAD exomes 0.00004 and 0.00012; gnomAD 0.00013 and 0.00014; ExAC 0.00016.

Submission:

Labcorp Genetics (formerly Invitae), Labcorp
Classification: Uncertain significance for Glycogen storage disease due to muscle and heart glycogen synthase deficiency. Last evaluated: 2021-11-26. Review status: criteria provided, single submitter. Criteria: Invitae Variant Classification Sherloc (09022015). Collection method: clinical testing. Allele origin: germline.
Comment: This sequence change replaces glycine, which is neutral and non-polar, with serine, which is neutral and polar, at codon 464 of the GYS1 protein (p.Gly464Ser). This variant is present in population databases (rs200862074, gnomAD 0.1%). This variant has not been reported in the literature in individuals affected with GYS1-related conditions. Algorithms developed to predict the effect of missense changes on protein structure and function are either unavailable or do not agree on the potential impact of this missense change (SIFT: "Tolerated"; PolyPhen-2: "Probably Damaging"; Align-GVGD: "Class C0"). Algorithms developed to predict the effect of sequence changes on RNA splicing suggest that this variant may create or strengthen a splice site. In summary, the available evidence is currently insufficient to determine the role of this variant in disease. Therefore, it has been classified as a Variant of Uncertain Significance.